The following is an entry in ClinVar:

NC_000001.11:g.(?_237770797)_(237773658_?)del

Gene: RYR2 (ryanodine receptor 2; plus strand). Cytogenetic location: 1q43.
Variant type: Deletion.
Identifiers: ClinVar variation 833477 (VCV000833477.6).

ClinVar aggregate classification (germline): Uncertain significance. Review status: criteria provided, single submitter (1 of 4 stars). 2 submissions from 1 submitter: Uncertain significance (2). Last evaluated 2019-08-20.

Conditions:
Catecholaminergic polymorphic ventricular tachycardia (CVPT). Also called: Catecholamine-induced polymorphic ventricular tachycardia. Identifiers: Orphanet 3286, MedGen C5574922, MONDO:0017990.
Catecholaminergic polymorphic ventricular tachycardia 1. Also called: VENTRICULAR TACHYCARDIA, CATECHOLAMINERGIC POLYMORPHIC, 1, WITH OR WITHOUT ATRIAL DYSFUNCTION AND/OR DILATED CARDIOMYOPATHY; RYR2-Related Catecholaminergic Polymorphic Ventricular Tachycardia; VENTRICULAR TACHYCARDIA, STRESS-INDUCED POLYMORPHIC 1. Identifiers: Orphanet 3286, MedGen C1631597, MONDO:0011484, OMIM 604772.

Submissions (2):

Labcorp Genetics (formerly Invitae), Labcorp
Classification: Uncertain significance for Catecholaminergic polymorphic ventricular tachycardia. Last evaluated: 2019-08-20. Review status: criteria provided, single submitter. Criteria: Invitae Variant Classification Sherloc (09022015). Collection method: clinical testing. Allele origin: germline.
Comment: This variant is an out-of-frame deletion of the genomic region encompassing exons 85-87 of the RYR2 gene. This is expected to create a premature translational stop signal and result in an absent or disrupted protein product. This variant has not been reported in the literature in individuals with RYR2-related conditions. The current clinical and genetic evidence is not sufficient to establish whether loss-of-function variants in RYR2 cause disease. In summary, the available evidence is currently insufficient to determine the role of this variant in disease. Therefore, it has been classified as a Variant of Uncertain Significance.

Labcorp Genetics (formerly Invitae), Labcorp
Classification: Uncertain significance for Catecholaminergic polymorphic ventricular tachycardia 1. Last evaluated: 2019-08-20. Review status: criteria provided, single submitter. Criteria: Invitae Variant Classification Sherloc (09022015). Collection method: clinical testing. Allele origin: germline.
Comment: In summary, the available evidence is currently insufficient to determine the role of this variant in disease. Therefore, it has been classified as a Variant of Uncertain Significance. The current clinical and genetic evidence is not sufficient to establish whether loss-of-function variants in RYR2 cause disease. This variant has not been reported in the literature in individuals with RYR2-related conditions. This variant is an out-of-frame deletion of the genomic region encompassing exons 85-87 of the RYR2 gene. This is expected to create a premature translational stop signal and result in an absent or disrupted protein product.